The following is an entry in ClinVar:

ClinVar aggregate classification (germline): Uncertain significance (1 of 4 stars; one submission).

Conditions:
Progressive sclerosing poliodystrophy (MTDPS4A). Also called: Mitochondrial DNA depletion syndrome 4A (Alpers type); ALPERS PROGRESSIVE INFANTILE POLIODYSTROPHY; NEURONAL DEGENERATION OF CHILDHOOD WITH LIVER DISEASE, PROGRESSIVE; Alpers Syndrome; ALPERS DIFFUSE DEGENERATION OF CEREBRAL GRAY MATTER WITH HEPATIC CIRRHOSIS; Alpers-Huttenlocher Syndrome. Identifiers: Orphanet 726, MedGen C0205710, MONDO:0008758, OMIM 203700.

Submission:

Labcorp Genetics (formerly Invitae), Labcorp
Classification: Uncertain significance for Progressive sclerosing poliodystrophy. Last evaluated: 2023-05-20. Review status: criteria provided, single submitter. Criteria: Invitae Variant Classification Sherloc (09022015). Collection method: clinical testing. Allele origin: germline.
Comment: In summary, the available evidence is currently insufficient to determine the role of this variant in disease. Therefore, it has been classified as a Variant of Uncertain Significance. Advanced modeling of protein sequence and biophysical properties (such as structural, functional, and spatial information, amino acid conservation, physicochemical variation, residue mobility, and thermodynamic stability) has been performed at Invitae for this missense variant, however the output from this modeling did not meet the statistical confidence thresholds required to predict the impact of this variant on POLG protein function. This variant has not been reported in the literature in individuals affected with POLG-related conditions. This variant is not present in population databases (gnomAD no frequency). This sequence change replaces valine, which is neutral and non-polar, with alanine, which is neutral and non-polar, at codon 104 of the POLG protein (p.Val104Ala).

NM_002693.3(POLG):c.311T>C (p.Val104Ala)

Genes: POLG (DNA polymerase gamma, catalytic subunit; minus strand), POLGARF (POLG alternative reading frame; minus strand). Cytogenetic location: 15q26.1.
Variant type: single nucleotide variant.
Coding change: c.311T>C on transcript NM_002693.3 (MANE Select); coding-DNA position 311, T replaced by C.
Protein change: p.Val104Ala; replaces valine 104 with alanine.
Molecular consequence: missense variant.
Genome position (GRCh38, 1-based): chr15:89,333,444, A>G on the plus strand (T>C on the coding strand, the complement: POLG is on the minus strand). VCF-style: chr15-89333444-A-G. GRCh37 (hg19) VCF-style: chr15-89876675-A-G.
Other names: c.311T>C, p.Val104Ala (NM_001126131.2); short protein forms V104A.
Identifiers: ClinVar variation 2864561 (VCV002864561.3), dbSNP rs2509275936, ClinGen allele CA393772851.